The following is an entry in ClinVar:

NM_000057.4(BLM):c.131A>T (p.Asp44Val)

Gene: BLM (BLM RecQ like helicase; plus strand). Cytogenetic location: 15q26.1.
Variant type: single nucleotide variant.
Coding change: c.131A>T on transcript NM_000057.4 (MANE Select); coding-DNA position 131, A replaced by T.
Protein change: p.Asp44Val; replaces aspartic acid 44 with valine.
Molecular consequence: missense variant. On other transcripts: 5 prime UTR variant (1).
Genome position (GRCh38, 1-based): chr15:90,749,399, A>T. VCF-style: chr15-90749399-A-T. GRCh37 (hg19) VCF-style: chr15-91292629-A-T.
Other names: c.131A>T, p.Asp44Val (NM_001287246.2, NM_001287247.2); c.-1161A>T (NM_001287248.2); short protein forms D44V.
Identifiers: ClinVar variation 1769861 (VCV001769861.3), dbSNP rs1895600607, ClinGen allele CA393839404.
Genomic context (GRCh38, chr15:90,749,399, plus strand): 5'-CTAATCTAGTTTTTCCATTATTTTTCAGAGGTTTCACTTTTAAAAAGAAAACATCTTCAG[A>T]TAACAATGTATCTGTAACTAATGTGTCAGTAGCAAAAACACCTGTATTAAGAAATAAAGA-3'
Protein context (NP_000048.1, residues 34-54): GFTFKKKTSS[Asp44Val]NNVSVTNVSV

ClinVar aggregate classification (germline): Uncertain significance (1 of 4 stars; one submission).

Conditions:
Hereditary cancer-predisposing syndrome. Also called: Hereditary Cancer Syndrome; Hereditary neoplastic syndrome; Neoplastic Syndromes, Hereditary; Tumor predisposition. Identifiers: Orphanet 140162, MedGen C0027672, MeSH D009386, MONDO:0015356.

Submission:

Ambry Genetics
Classification: Uncertain significance for Hereditary cancer-predisposing syndrome. Last evaluated: 2024-06-13. Review status: criteria provided, single submitter. Criteria: Ambry Variant Classification Scheme 2023. Collection method: clinical testing. Allele origin: germline.
Comment: The p.D44V variant (also known as c.131A>T), located in coding exon 2 of the BLM gene, results from an A to T substitution at nucleotide position 131. The aspartic acid at codon 44 is replaced by valine, an amino acid with highly dissimilar properties. This amino acid position is conserved. In addition, this alteration is predicted to be tolerated by in silico analysis. Since supporting evidence is limited at this time, the clinical significance of this alteration remains unclear.